The following is an entry in ClinVar:

ClinVar aggregate classification (germline): Likely pathogenic (1 of 4 stars; one submission).

Submission:

Labcorp Genetics (formerly Invitae), Labcorp
Classification: Likely pathogenic. Last evaluated: 2022-05-10. Review status: criteria provided, single submitter. Criteria: Invitae Variant Classification Sherloc (09022015). Collection method: clinical testing. Allele origin: germline.
Comment: This variant has not been reported in the literature in individuals affected with USB1-related conditions. This variant is not present in population databases (gnomAD no frequency). This variant results in the deletion of part of exon 1 of the USB1 gene. It is expected to disrupt RNA splicing. Variants that disrupt the donor or acceptor splice site typically lead to a loss of protein function (PMID: 16199547), and loss-of-function variants in USB1 are known to be pathogenic (PMID: 20817924, 25044170). In summary, the currently available evidence indicates that the variant is pathogenic, but additional data are needed to prove that conclusively. Therefore, this variant has been classified as Likely Pathogenic. Algorithms developed to predict the effect of sequence changes on RNA splicing suggest that this variant may disrupt the consensus splice site.

Literature cited by the submitters: PubMed 16199547; PubMed 20817924; PubMed 25044170.

NM_024598.4(USB1):c.87_98+13del

Genes: USB1 (U6 snRNA biogenesis phosphodiesterase 1; plus strand), LOC130059131 (ATAC-STARR-seq lymphoblastoid active region 10920; plus strand). Cytogenetic location: 16q21.
Variant type: Deletion.
Coding change: c.87_98+13del on transcript NM_024598.4 (MANE Select); coding-DNA position 87 through 13 bases into the intron after coding-DNA position 98, 25 bases deleted (GAGCCACCGTCGGTGAGGAGTGAGG).
Molecular consequence: splice donor variant. On other transcripts: intron variant (1).
Genome position (GRCh38, 1-based): chr16:58,001,570-58,001,594, GAGCCACCGTCGGTGAGGAGTGAGG deleted; deleting any 25 consecutive bases within chr16:58,001,568-58,001,594 gives the same sequence; the c. name uses the placement nearest the transcript's 3' end. VCF-style (leftmost placement, unchanged base first): chr16-58001567-TGGGAGCCACCGTCGGTGAGGAGTGA-T. GRCh37 (hg19) VCF-style: chr16-58035471-TGGGAGCCACCGTCGGTGAGGAGTGA-T.
Other names: c.-55-909_-55-885del (NM_001330568.2); c.87_98+13del (NM_001195302.2, NM_001204911.2, NM_001330569.2).
Identifiers: ClinVar variation 1992602 (VCV001992602.4), dbSNP rs2544717657, ClinGen allele CA2580091731.